The following is an entry in ClinVar:

ClinVar aggregate classification (germline): Uncertain significance. Review status: criteria provided, multiple submitters, no conflicts (2 of 4 stars). 3 submissions from 3 submitters: Uncertain significance (3). Last evaluated 2026-01-28.

Conditions:
Maturity-onset diabetes of the young type 11. Identifiers: Orphanet 552, MedGen C3150618, MONDO:0013242, OMIM 613375.

Allele frequency attached by ClinVar (database versions not stated): gnomAD 0.00001; TOPMed 0.00001; gnomAD exomes 0.00002; ExAC 0.00003; ESP Exome Variant Server 0.00008.

Submissions (3):

Labcorp Genetics (formerly Invitae), Labcorp
Classification: Uncertain significance. Last evaluated: 2026-01-28. Review status: criteria provided, single submitter. Criteria: Invitae Variant Classification Sherloc (09022015). Collection method: clinical testing. Allele origin: germline.
Comment: This sequence change replaces leucine, which is neutral and non-polar, with serine, which is neutral and polar, at codon 381 of the BLK protein (p.Leu381Ser). This variant is present in population databases (rs142803179, gnomAD 0.004%). This variant has not been reported in the literature in individuals affected with BLK-related conditions. ClinVar contains an entry for this variant (Variation ID: 910817). An algorithm developed to predict the effect of missense changes on protein structure and function (PolyPhen-2) suggests that this variant is likely to be disruptive. In summary, the available evidence is currently insufficient to determine the role of this variant in disease. Therefore, it has been classified as a Variant of Uncertain Significance.

Fulgent Genetics
Classification: Uncertain significance for Maturity-onset diabetes of the young type 11. Last evaluated: 2022-03-04. Review status: criteria provided, single submitter. Criteria: ACMG Guidelines, 2015. Collection method: clinical testing. Allele origin: unknown.

Illumina Laboratory Services, Illumina
Classification: Uncertain significance for Maturity-onset diabetes of the young type 11. Last evaluated: 2018-01-13. Review status: criteria provided, single submitter. Criteria: ICSL Variant Classification Criteria 13 December 2019. Collection method: clinical testing. Allele origin: germline.

NM_001715.3(BLK):c.1142T>C (p.Leu381Ser)

Gene: BLK (BLK proto-oncogene, Src family tyrosine kinase). Cytogenetic location: 8p23.1.
Variant type: single nucleotide variant.
Coding change: c.1142T>C on transcript NM_001715.3 (MANE Select); coding-DNA position 1142, T replaced by C.
Protein change: p.Leu381Ser; replaces leucine 381 with serine.
Molecular consequence: missense variant.
Genome position (GRCh38, 1-based): chr8:11,561,414, T>C. VCF-style: chr8-11561414-T-C. GRCh37 (hg19) VCF-style: chr8-11418923-T-C.
Other names: c.929T>C, p.Leu310Ser (NM_001330465.2); short protein forms L310S, L381S.
Identifiers: ClinVar variation 910817 (VCV000910817.6), dbSNP rs142803179, ClinGen allele CA4630381.